The following is an entry in ClinVar:

NM_177438.3(DICER1):c.4984C>T (p.Leu1662Phe)

Gene: DICER1 (dicer 1, ribonuclease III; minus strand). Cytogenetic location: 14q32.13.
Variant type: single nucleotide variant.
Coding change: c.4984C>T on transcript NM_177438.3 (MANE Select); coding-DNA position 4984, C replaced by T.
Protein change: p.Leu1662Phe; replaces leucine 1662 with phenylalanine.
Molecular consequence: missense variant. On other transcripts: non-coding transcript variant (6).
Genome position (GRCh38, 1-based): chr14:95,095,936, G>A on the plus strand (C>T on the coding strand, the complement: DICER1 is on the minus strand). VCF-style: chr14-95095936-G-A. GRCh37 (hg19) VCF-style: chr14-95562273-G-A.
Other names: c.4579C>T, p.Leu1527Phe (NM_001395690.1, NM_001395696.1, NM_001395687.1 and 2 more transcripts); c.4417C>T, p.Leu1473Phe (NM_001395691.1); c.4984C>T, p.Leu1662Phe (NM_001395692.1, NM_001395693.1, NM_001395694.1 and 12 more transcripts); c.3301C>T, p.Leu1101Phe (NM_001395697.1); c.4702C>T, p.Leu1568Phe (NM_001395686.1); short protein forms L1473F, L1568F, L1527F, L1101F, L1662F.
Identifiers: ClinVar variation 3699336 (VCV003699336.3).
Genomic context (GRCh38, chr14:95,095,936, plus strand): 5'-AAGCCTTATTCTTGAATCTGTAGTTGATTTTCTTTTCAAAATTTTCAAACCCCGATATAA[G>A]GTGATTCAGTGTTTTATCTGCATCTGGATGATCAAACATACATCTTGGTGGAATCTTCAA-3'
Protein context (NP_803187.1, residues 1652-1672): HPDADKTLNH[Leu1662Phe]ISGFENFEKK

ClinVar aggregate classification (germline): Uncertain significance. Review status: criteria provided, multiple submitters, no conflicts (2 of 4 stars). 2 submissions from 2 submitters: Uncertain significance (2). Last evaluated 2026-05-24.

Conditions:
Hereditary cancer-predisposing syndrome. Also called: Hereditary Cancer Syndrome; Hereditary neoplastic syndrome; Neoplastic Syndromes, Hereditary; Tumor predisposition. Identifiers: Orphanet 140162, MedGen C0027672, MeSH D009386, MONDO:0015356.
DICER1-related tumor predisposition. Also called: DICER1-related pleuropulmonary blastoma cancer predisposition syndrome; DICER1 syndrome. Identifiers: Orphanet 284343, MedGen C3839822, MONDO:0100216.

Submissions (2):

Ambry Genetics
Classification: Uncertain significance for Hereditary cancer-predisposing syndrome. Last evaluated: 2026-05-24. Review status: criteria provided, single submitter. Criteria: Ambry Variant Classification Scheme 2023. Collection method: clinical testing. Allele origin: germline.
Comment: The p.L1662F variant (also known as c.4984C>T), located in coding exon 22 of the DICER1 gene, results from a C to T substitution at nucleotide position 4984. The leucine at codon 1662 is replaced by phenylalanine, an amino acid with highly similar properties. This amino acid position is conserved. In addition, this alteration is predicted to be deleterious by in silico analysis. Based on the available evidence, the clinical significance of this variant remains unclear.

Labcorp Genetics (formerly Invitae), Labcorp
Classification: Uncertain significance for DICER1-related tumor predisposition. Last evaluated: 2024-07-13. Review status: criteria provided, single submitter. Criteria: Invitae Variant Classification Sherloc (09022015). Collection method: clinical testing. Allele origin: germline.
Comment: This sequence change replaces leucine, which is neutral and non-polar, with phenylalanine, which is neutral and non-polar, at codon 1662 of the DICER1 protein (p.Leu1662Phe). This variant is not present in population databases (gnomAD no frequency). This variant has not been reported in the literature in individuals affected with DICER1-related conditions. Advanced modeling of protein sequence and biophysical properties (such as structural, functional, and spatial information, amino acid conservation, physicochemical variation, residue mobility, and thermodynamic stability) performed at Invitae indicates that this missense variant is not expected to disrupt DICER1 protein function with a negative predictive value of 80%. In summary, the available evidence is currently insufficient to determine the role of this variant in disease. Therefore, it has been classified as a Variant of Uncertain Significance.